The following is an entry in ClinVar:

ClinVar aggregate classification (germline): Uncertain significance (1 of 4 stars; one submission).

Conditions:
Long QT syndrome (LQTS). Identifiers: MedGen C0023976, MeSH D008133, MONDO:0002442. Disease mechanism: loss of function. Inheritance: Various modes of inheritance.

Submission:

Labcorp Genetics (formerly Invitae), Labcorp
Classification: Uncertain significance for Long QT syndrome. Last evaluated: 2023-09-11. Review status: criteria provided, single submitter. Criteria: Invitae Variant Classification Sherloc (09022015). Collection method: clinical testing. Allele origin: germline.
Comment: This sequence change replaces valine, which is neutral and non-polar, with glycine, which is neutral and non-polar, at codon 659 of the KCNH2 protein (p.Val659Gly). This variant is not present in population databases (gnomAD no frequency). In summary, the available evidence is currently insufficient to determine the role of this variant in disease. Therefore, it has been classified as a Variant of Uncertain Significance. An algorithm developed to predict the effect of missense changes on protein structure and function (PolyPhen-2) suggests that this variant is likely to be disruptive. This variant has not been reported in the literature in individuals affected with KCNH2-related conditions.

NM_000238.4(KCNH2):c.1976T>G (p.Val659Gly)

Gene: KCNH2 (potassium voltage-gated channel subfamily H member 2; minus strand). Cytogenetic location: 7q36.1.
Variant type: single nucleotide variant.
Coding change: c.1976T>G on transcript NM_000238.4 (MANE Select); coding-DNA position 1976, T replaced by G.
Protein change: p.Val659Gly; replaces valine 659 with glycine.
Molecular consequence: missense variant. On other transcripts: non-coding transcript variant (2).
Genome position (GRCh38, 1-based): chr7:150,951,090, A>C on the plus strand (T>G on the coding strand, the complement: KCNH2 is on the minus strand). VCF-style: chr7-150951090-A-C. GRCh37 (hg19) VCF-style: chr7-150648178-A-C.
Other names: c.956T>G, p.Val319Gly (NM_172057.3, NM_001204798.2); c.1688T>G, p.Val563Gly (NM_001406753.1, NM_001406756.1); c.1799T>G, p.Val600Gly (NM_001406755.1); c.1676T>G, p.Val559Gly (NM_001406757.1); c.1976T>G, p.Val659Gly (NM_172056.3); short protein forms V559G, V659G, V319G, V563G, V600G.
Identifiers: ClinVar variation 3016546 (VCV003016546.3), dbSNP rs2486032026, ClinGen allele CA369857725.
Genomic context (GRCh38, chr7:150,951,090, plus strand): 5'-CGCAGCATCTGTGTGTGGTAGCGGGCTGTGCCCGAGTACAGCCGCTGGATGATGGCCGAC[A>C]CGTTGCCGAAGATGCTAGCATACATGAGGGCTGGGGGCGTGGGCACGTGGGGCCGTCAGC-3'
Protein context (NP_000229.1, residues 649-669): SLMYASIFGN[Val659Gly]SAIIQRLYSG